The following is an entry in ClinVar:

NM_001113491.2(SEPTIN9):c.1389A>G (p.Ala463=)

Gene: SEPTIN9 (septin 9; plus strand). Cytogenetic location: 17q25.3.
Variant type: single nucleotide variant.
Coding change: c.1389A>G on transcript NM_001113491.2 (MANE Select); coding-DNA position 1389, A replaced by G.
Protein change: p.Ala463=; no amino-acid change (alanine 463 retained).
Molecular consequence: synonymous variant.
Genome position (GRCh38, 1-based): chr17:77,492,629, A>G. VCF-style: chr17-77492629-A-G. GRCh37 (hg19) VCF-style: chr17-75488711-A-G.
Other names: c.897A>G, p.Ala299= (NM_001113492.2, NM_001113494.1); c.1368A>G, p.Ala456= (NM_001113493.2); c.636A>G, p.Ala212= (NM_001113495.2, NM_001113496.2, NM_001293697.2 and 1 more transcripts); c.1332A>G, p.Ala444= (NM_001293695.2); c.717A>G, p.Ala239= (NM_001293696.2); c.1335A>G, p.Ala445= (NM_006640.5).
Identifiers: ClinVar variation 1675693 (VCV001675693.36), dbSNP rs767658783, ClinGen allele CA294296664.

ClinVar aggregate classification (germline): Likely benign. Review status: criteria provided, multiple submitters, no conflicts (2 of 4 stars). 2 submissions from 2 submitters: Likely benign (2). Last evaluated 2023-07-25.

Allele frequency attached by ClinVar (database versions not stated): gnomAD exomes below 0.00001 and 0.00001; TOPMed below 0.00001; gnomAD 0.00001.

Submissions (2):

Labcorp Genetics (formerly Invitae), Labcorp
Classification: Likely benign. Last evaluated: 2023-07-25. Review status: criteria provided, single submitter. Criteria: Invitae Variant Classification Sherloc (09022015). Collection method: clinical testing. Allele origin: germline.

CeGaT Center for Human Genetics Tuebingen
Classification: Likely benign. Last evaluated: 2022-03-01. Review status: criteria provided, single submitter. Criteria: CeGaT Center For Human Genetics Tuebingen Variant Classification Criteria Version 2. Collection method: clinical testing. Allele origin: germline. Affected: yes. Observed: 1 variant allele.
Comment: SEPTIN9: BP4, BP7